The following is an entry in ClinVar:

NM_000020.3(ACVRL1):c.129dup (p.Pro44fs)

Gene: ACVRL1 (activin A receptor like type 1; plus strand). Cytogenetic location: 12q13.13.
Variant type: Duplication.
Coding change: c.129dup on transcript NM_000020.3 (MANE Select); coding-DNA position 129, one base duplicated (G; older notation c.129dupG).
Protein change: p.Pro44fs; shifts the reading frame from proline 44.
Molecular consequence: frameshift variant.
Genome position (GRCh38, 1-based): chr12:51,913,166, G duplicated; the last of 4 consecutive G bases (chr12:51,913,163-51,913,166); duplicating any one gives the same sequence. VCF-style (leftmost placement, unchanged base first): chr12-51913162-A-AG. GRCh37 (hg19) VCF-style: chr12-52306946-A-AG.
Other names: c.129dup, p.Pro44fs (NM_001077401.2); c.129dupG (NM_000020.2); short protein forms P44fs.
Identifiers: ClinVar variation 962679 (VCV000962679.9), dbSNP rs1940731395, ClinGen allele CA1139662693.
Genomic context (GRCh38, chr12:51,913,162, plus strand): 5'-ACCCTGTGAAGCCGTCTCGGGGCCCGCTGGTGACCTGCACGTGTGAGAGCCCACATTGCA[A>AG]GGGGCCTACCTGCCGGGGGGCCTGGTGCACAGTAGTGCTGGTGCGGGAGGAGGGGAGGCA-3'

ClinVar aggregate classification (germline): Pathogenic. Review status: criteria provided, multiple submitters, no conflicts (2 of 4 stars). 2 submissions from 2 submitters: Pathogenic (2). Last evaluated 2019-11-14.

Conditions:
Cardiovascular phenotype. Identifiers: MedGen CN230736.
Telangiectasia, hereditary hemorrhagic, type 2 (HHT2). Also called: ACVRL1-Related Hereditary Hemorrhagic Telangiectasia; Telangiectasia, hereditary hemorrhagic, type II. Identifiers: Orphanet 774, MedGen C1838163, MONDO:0010880, OMIM 600376. Disease mechanism: loss of function.

Submissions (2):

Labcorp Genetics (formerly Invitae), Labcorp
Classification: Pathogenic for Telangiectasia, hereditary hemorrhagic, type 2. Last evaluated: 2019-11-14. Review status: criteria provided, single submitter. Criteria: Invitae Variant Classification Sherloc (09022015). Collection method: clinical testing. Allele origin: germline.
Comment: For these reasons, this variant has been classified as Pathogenic. Loss-of-function variants in ACVRL1 are known to be pathogenic (PMID: 15879500). This variant has not been reported in the literature in individuals with ACVRL1-related conditions. This variant is not present in population databases (ExAC no frequency). This sequence change creates a premature translational stop signal (p.Pro44Alafs*125) in the ACVRL1 gene. It is expected to result in an absent or disrupted protein product.

Ambry Genetics
Classification: Pathogenic for Cardiovascular phenotype. Last evaluated: 2016-03-10. Review status: criteria provided, single submitter. Criteria: Ambry Variant Classification Scheme 2023. Collection method: clinical testing. Allele origin: germline.
Comment: The c.129dupG pathogenic mutation, located in coding exon 2 of the ACVRL1 gene, results from a duplication of G at position 129, causing a translational frameshift with a predicted alternate stop codon (p.P44Afs*125). Since frameshifts are typically deleterious in nature, this alteration is interpreted as a disease-causing mutation (ACMG Recommendations for Standards for Interpretation and Reporting of Sequence Variations. Revision 2007. Genet Med. 2008;10:294).

Literature cited by the submitters: PubMed 15879500 (cited by Labcorp Genetics (formerly Invitae), Labcorp).